The following is an entry in ClinVar:

ClinVar aggregate classification (germline): Conflicting classifications of pathogenicity. Review status: criteria provided, conflicting classifications (1 of 4 stars). 2 submissions from 2 submitters: Uncertain significance (1); Likely benign (1). Last evaluated 2024-01-24.

Conditions:
Inborn genetic diseases. Identifiers: MedGen C0950123, MeSH D030342.
Hereditary spastic paraplegia 50 (SPG50). Also called: Spastic paraplegia 50, autosomal recessive. Identifiers: Orphanet 280763, MedGen C2752008, MONDO:0013048, OMIM 612936.

Allele frequency attached by ClinVar (database versions not stated): ExAC 0.00007; ESP Exome Variant Server 0.00008; TOPMed 0.00010.

Submissions (2):

Labcorp Genetics (formerly Invitae), Labcorp
Classification: Uncertain significance for Hereditary spastic paraplegia 50. Last evaluated: 2024-01-24. Review status: criteria provided, single submitter. Criteria: Invitae Variant Classification Sherloc (09022015). Collection method: clinical testing. Allele origin: germline.
Comment: This sequence change replaces valine, which is neutral and non-polar, with isoleucine, which is neutral and non-polar, at codon 74 of the AP4M1 protein (p.Val74Ile). This variant is present in population databases (rs377178447, gnomAD 0.02%). This variant has not been reported in the literature in individuals affected with AP4M1-related conditions. ClinVar contains an entry for this variant (Variation ID: 1443476). Advanced modeling of protein sequence and biophysical properties (such as structural, functional, and spatial information, amino acid conservation, physicochemical variation, residue mobility, and thermodynamic stability) performed at Invitae indicates that this missense variant is not expected to disrupt AP4M1 protein function with a negative predictive value of 80%. In summary, the available evidence is currently insufficient to determine the role of this variant in disease. Therefore, it has been classified as a Variant of Uncertain Significance.

Ambry Genetics
Classification: Likely benign for Inborn genetic diseases. Last evaluated: 2021-10-06. Review status: criteria provided, single submitter. Criteria: Ambry Variant Classification Scheme 2023. Collection method: clinical testing. Allele origin: germline.

NM_004722.4(AP4M1):c.220G>A (p.Val74Ile)

Gene: AP4M1 (adaptor related protein complex 4 subunit mu 1; plus strand). Cytogenetic location: 7q22.1.
Variant type: single nucleotide variant.
Coding change: c.220G>A on transcript NM_004722.4 (MANE Select); coding-DNA position 220, G replaced by A.
Protein change: p.Val74Ile; replaces valine 74 with isoleucine.
Molecular consequence: missense variant.
Genome position (GRCh38, 1-based): chr7:100,102,747, G>A. VCF-style: chr7-100102747-G-A. GRCh37 (hg19) VCF-style: chr7-99700370-G-A.
Other names: c.241G>A, p.Val81Ile (NM_001363671.2); c.220G>A (NM_004722.3); short protein forms V74I, V81I.
Identifiers: ClinVar variation 1443476 (VCV001443476.8), dbSNP rs377178447, ClinGen allele CA4374512.